The following is an entry in ClinVar:

NM_001378454.1(ALMS1):c.6937A>C (p.Asn2313His)

Gene: ALMS1 (ALMS1 centrosome and basal body associated protein; plus strand). Cytogenetic location: 2p13.1.
Variant type: single nucleotide variant.
Coding change: c.6937A>C on transcript NM_001378454.1 (MANE Select); coding-DNA position 6937, A replaced by C.
Protein change: p.Asn2313His; replaces asparagine 2313 with histidine.
Molecular consequence: missense variant.
Genome position (GRCh38, 1-based): chr2:73,453,464, A>C. VCF-style: chr2-73453464-A-C. GRCh37 (hg19) VCF-style: chr2-73680591-A-C.
Other names: c.6940A>C, p.Asn2314His (NM_015120.4); short protein forms N2313H, N2314H.
Identifiers: ClinVar variation 2561872 (VCV002561872.2), dbSNP rs766346478, ClinGen allele CA1714154.

ClinVar aggregate classification (germline): Uncertain significance (1 of 4 stars; one submission).

Conditions:
Cardiovascular phenotype. Identifiers: MedGen CN230736.

gnomAD v4.1: 5 of 1,613,456 alleles (0.00031%); highest among the groups gnomAD compares: Non-Finnish European, 0.00042%; no homozygotes.

Submission:

Ambry Genetics
Classification: Uncertain significance for Cardiovascular phenotype. Last evaluated: 2023-03-17. Review status: criteria provided, single submitter. Criteria: Ambry Variant Classification Scheme 2023. Collection method: clinical testing. Allele origin: germline.
Comment: The p.N2314H variant (also known as c.6940A>C), located in coding exon 8 of the ALMS1 gene, results from an A to C substitution at nucleotide position 6940. The asparagine at codon 2314 is replaced by histidine, an amino acid with similar properties. This amino acid position is not well conserved in available vertebrate species. In addition, this alteration is predicted to be tolerated by in silico analysis. Since supporting evidence is limited at this time, the clinical significance of this alteration remains unclear.